The following is an entry in ClinVar:

ClinVar aggregate classification (germline): Pathogenic/Likely pathogenic. Review status: criteria provided, multiple submitters, no conflicts (2 of 4 stars). 2 submissions from 2 submitters: Pathogenic (1); Likely pathogenic (1). Last evaluated 2026-01-18.

Conditions:
Polycystic kidney disease, adult type (PKD1). Also called: Polycystic Kidney, Autosomal Dominant; Polycystic Kidney Disease 1, Autosomal Dominant; Polycystic kidney disease 1; Polycystic kidney disease 1, severe; POLYCYSTIC KIDNEY DISEASE, ADULT, TYPE I; POLYCYSTIC KIDNEY DISEASE 1 WITH OR WITHOUT POLYCYSTIC LIVER DISEASE. Identifiers: MedGen C3149841, MONDO:0008263, OMIM 173900.

Submissions (2):

Women's Health and Genetics/Laboratory Corporation of America, LabCorp
Classification: Pathogenic for Polycystic kidney disease, adult type. Last evaluated: 2026-01-18. Review status: criteria provided, single submitter. Criteria: LabCorp Variant Classification Summary - May 2015. Collection method: clinical testing. Allele origin: germline.
Comment: Variant summary: PKD1 c.7484G>A (p.Cys2495Tyr) results in a non-conservative amino acid change in the encoded protein sequence. Algorithms developed to predict the effect of missense changes on protein structure and function all suggest that this variant is likely to be disruptive. The variant was absent in 184192 control chromosomes (gnomAD). c.7484G>A has been observed in multiple individuals affected with Polycystic Kidney Disease 1 (e.g. Obeidova_2014, Yilmaz_2024, Cubuk_2024). These data indicate that the variant is very likely to be associated with disease. A different variant affecting the same codon has been classified as pathogenic by our lab (c.7483T>C, p.Cys2495Arg), supporting the critical relevance of codon 2495 to PKD1 protein function. The following publications have been ascertained in the context of this evaluation (PMID: 24694054, 38464892, 38971859). ClinVar contains an entry for this variant (Variation ID: 2683946). Based on the evidence outlined above, the variant was classified as pathogenic.

MVZ Martinsried, Medicover Genetics
Classification: Likely pathogenic for Polycystic kidney disease, adult type. Last evaluated: 2023-05-12. Review status: criteria provided, single submitter. Criteria: ACGS Guidelines, 2020. Collection method: clinical testing. Allele origin: unknown. Affected: yes.

Literature cited by the submitters: PubMed 24694054 (cited by Women's Health and Genetics/Laboratory Corporation of America, LabCorp); PubMed 38971859 (cited by Women's Health and Genetics/Laboratory Corporation of America, LabCorp); PubMed 38464892 (cited by Women's Health and Genetics/Laboratory Corporation of America, LabCorp).

NM_001009944.3(PKD1):c.7484G>A (p.Cys2495Tyr)

Gene: PKD1 (polycystin 1, transient receptor potential channel interacting; minus strand). Cytogenetic location: 16p13.3.
Variant type: single nucleotide variant.
Coding change: c.7484G>A on transcript NM_001009944.3 (MANE Select); coding-DNA position 7484, G replaced by A.
Protein change: p.Cys2495Tyr; replaces cysteine 2495 with tyrosine.
Molecular consequence: missense variant.
Genome position (GRCh38, 1-based): chr16:2,106,403, C>T on the plus strand (G>A on the coding strand, the complement: PKD1 is on the minus strand). VCF-style: chr16-2106403-C-T. GRCh37 (hg19) VCF-style: chr16-2156404-C-T.
Other names: c.7484G>A, p.Cys2495Tyr (NM_000296.4); short protein forms C2495Y.
Identifiers: ClinVar variation 2683946 (VCV002683946.2), dbSNP rs2544780036, ClinGen allele CA394369375.
Genomic context (GRCh38, chr16:2,106,403, plus strand): 5'-TGACGTCACAGAGTCGGGGGATCCCGCTGCTCCCCCCACGCAGGCCTGCACTCACCCGTG[C>T]ATTCGAAGTGCACCTTGGTGGTGAGGGCGTGCACAGCGCCCAGTGGGAAGAGGCGGCAAG-3'
Protein context (NP_001009944.3, residues 2485-2505): HALTTKVHFE[Cys2495Tyr]TGWHDAEDAG